The following is an entry in ClinVar:

ClinVar aggregate classification (germline): Pathogenic/Likely pathogenic. Review status: criteria provided, multiple submitters, no conflicts (2 of 4 stars). 3 submissions from 3 submitters: Pathogenic (1); Likely pathogenic (2). Last evaluated 2024-03-06.

Conditions:
Hereditary cancer-predisposing syndrome. Also called: Hereditary neoplastic syndrome; Neoplastic Syndromes, Hereditary; Hereditary Cancer Syndrome; Tumor predisposition. Identifiers: Orphanet 140162, MedGen C0027672, MeSH D009386, MONDO:0015356.
Familial cancer of breast. Also called: BREAST CANCER, FAMILIAL; Hereditary breast cancer; hereditary breast carcinoma. Identifiers: Orphanet 227535, MedGen C0346153, MONDO:0016419, OMIM 114480. Disease mechanism: loss of function.

Submissions (3):

Labcorp Genetics (formerly Invitae), Labcorp
Classification: Likely pathogenic for Familial cancer of breast. Last evaluated: 2024-03-06. Review status: criteria provided, single submitter. Criteria: Invitae Variant Classification Sherloc (09022015). Collection method: clinical testing. Allele origin: germline.
Comment: This sequence change creates a premature translational stop signal (p.Trp680Asnfs*12) in the BARD1 gene. While this is not anticipated to result in nonsense mediated decay, it is expected to disrupt the last 98 amino acid(s) of the BARD1 protein. This variant is not present in population databases (gnomAD no frequency). This variant has not been reported in the literature in individuals affected with BARD1-related conditions. ClinVar contains an entry for this variant (Variation ID: 530079). This variant disrupts the C-terminal BRCT domain of the BARD1 protein. The BRCT domains of BARD1 are required for the chromosome stability maintenance and homology-directed repair activity of the BARD1 protein (PMID: 17848578, 17550235, 26738429). While functional studies have not been performed to directly test the effect of this variant on BARD1 protein function, this suggests that disruption of this region of the protein is causative of disease. In summary, the currently available evidence indicates that the variant is pathogenic, but additional data are needed to prove that conclusively. Therefore, this variant has been classified as Likely Pathogenic.

Myriad Genetics, Inc.
Classification: Pathogenic for Familial cancer of breast. Last evaluated: 2023-05-25. Review status: criteria provided, single submitter. Criteria: Myriad Autosomal Dominant, Autosomal Recessive and X-Linked Classification Criteria (2023). Collection method: clinical testing. Allele origin: unknown.
Comment: This variant is considered pathogenic. This variant creates a frameshift predicted to result in premature protein truncation.

Ambry Genetics
Classification: Likely pathogenic for Hereditary cancer-predisposing syndrome. Last evaluated: 2020-08-19. Review status: criteria provided, single submitter. Criteria: Ambry Variant Classification Scheme 2023. Collection method: clinical testing. Allele origin: germline.
Comment: The c.2038_2042delTGGGG variant, located in coding exon 11 of the BARD1 gene, results from a deletion of 5 nucleotides at nucleotide positions 2038 to 2042, causing a translational frameshift with a predicted alternate stop codon (p.W680Nfs*12). This alteration occurs at the 3' terminus of theBARD1 gene, is not expected to trigger nonsense-mediated mRNA decay, and impacts the last 87 amino acids of the protein. However, structural analysis suggests this alteration results in loss of a large part of a well-ordered C-terminal BRCT domain, which could disrupt protein-protein interactions (Birrane G et al. Biochemistry 2007 Jul; 46(26):7706-12; Feki A et al. Oncogene 2005 May; 24(23):3726-36; Edwards RA et al. Biochemistry 2008 Nov; 47(44):11446-56; Rodriguez M et al. J. Biol. Chem. 2003 Dec; 278(52):52914-8; Ambry internal data). In addition, the BARD1 C-terminal BRCT domain has been implicated in chromosomal stability and homology-directed repair function (Laufer M et al. J. Biol. Chem., 2007 Nov;282:34325-33). Based on the majority of available evidence to date, this variant is likely to be pathogenic.

Literature cited by the submitters: PubMed 17848578 (cited by Labcorp Genetics (formerly Invitae), Labcorp and Ambry Genetics); PubMed 17550235 (cited by Labcorp Genetics (formerly Invitae), Labcorp); PubMed 26738429 (cited by Labcorp Genetics (formerly Invitae), Labcorp).

NM_000465.4(BARD1):c.2038_2042del (p.Trp680fs)

Gene: BARD1 (BRCA1 associated RING domain 1; minus strand). Cytogenetic location: 2q35.
Variant type: Deletion.
Coding change: c.2038_2042del on transcript NM_000465.4 (MANE Select); coding-DNA positions 2038 to 2042, 5 bases deleted (TGGGG; older notation c.2038_2042delTGGGG).
Protein change: p.Trp680fs; shifts the reading frame from tryptophan 680.
Molecular consequence: frameshift variant. On other transcripts: non-coding transcript variant (3).
Genome position (GRCh38, 1-based): chr2:214,728,968-214,728,972, CCCCA deleted on the plus strand (TGGGG on the coding strand, the reverse complement: BARD1 is on the minus strand); deleting any 5 consecutive bases within chr2:214,728,968-214,728,973 gives the same sequence; the c. name uses the placement nearest the transcript's 3' end. VCF-style (leftmost placement, unchanged base first): chr2-214728967-TCCCCA-T. GRCh37 (hg19) VCF-style: chr2-215593691-TCCCCA-T.
Other names: c.1981_1985del, p.Trp661fs (NM_001282543.2); c.685_689del, p.Trp229fs (NM_001282545.2); c.628_632del, p.Trp210fs (NM_001282548.2); c.499_503del, p.Trp167fs (NM_001282549.2); short protein forms W229fs, W210fs, W680fs, W167fs, W661fs.
Identifiers: ClinVar variation 530079 (VCV000530079.13), dbSNP rs1553612222, ClinGen allele CA658796161.